The following is an entry in ClinVar:

NM_000179.3(MSH6):c.2717C>G (p.Thr906Ser)

Gene: MSH6 (mutS homolog 6; plus strand). Cytogenetic location: 2p16.3.
Variant type: single nucleotide variant.
Coding change: c.2717C>G on transcript NM_000179.3 (MANE Select); coding-DNA position 2717, C replaced by G.
Protein change: p.Thr906Ser; replaces threonine 906 with serine.
Molecular consequence: missense variant.
Genome position (GRCh38, 1-based): chr2:47,800,700, C>G. VCF-style: chr2-47800700-C-G. GRCh37 (hg19) VCF-style: chr2-48027839-C-G.
Other names: c.2327C>G, p.Thr776Ser (NM_001281492.2); c.1811C>G, p.Thr604Ser (NM_001281493.2, NM_001281494.2); short protein forms T906S, T604S, T776S.
Identifiers: ClinVar variation 489991 (VCV000489991.20), dbSNP rs1436232875, ClinGen allele CA346755351.

ClinVar aggregate classification (germline): Conflicting classifications of pathogenicity. Review status: criteria provided, conflicting classifications (1 of 4 stars). 6 submissions from 6 submitters: Uncertain significance (5); Likely benign (1). Last evaluated 2025-06-20.

Conditions:
Lynch syndrome. Identifiers: Orphanet 144, MedGen C4552100, MONDO:0005835. Disease mechanism: loss of function.
Hereditary nonpolyposis colorectal neoplasms. Identifiers: MedGen C0009405, MeSH D003123.
Hereditary cancer-predisposing syndrome. Also called: Hereditary Cancer Syndrome; Neoplastic Syndromes, Hereditary; Tumor predisposition; Hereditary neoplastic syndrome. Identifiers: Orphanet 140162, MedGen C0027672, MeSH D009386, MONDO:0015356.
Endometrial carcinoma. Also called: Endometrial carcinoma, somatic. Identifiers: MedGen C0476089, MONDO:0002447, OMIM 608089, HP:0012114.

Allele frequency attached by ClinVar (database versions not stated): gnomAD exomes below 0.00001; TOPMed below 0.00001; gnomAD 0.00001.
gnomAD v4.1: 3 of 1,614,034 alleles (0.00019%); highest among the groups gnomAD compares: Non-Finnish European, 0.00025%; no homozygotes.

Submissions (6):

Women's Health and Genetics/Laboratory Corporation of America, LabCorp
Classification: Uncertain significance. Last evaluated: 2025-06-20. Review status: criteria provided, single submitter. Criteria: LabCorp Variant Classification Summary - May 2015. Collection method: clinical testing. Allele origin: germline.

Ambry Genetics
Classification: Uncertain significance for Hereditary cancer-predisposing syndrome. Last evaluated: 2024-08-29. Review status: criteria provided, single submitter. Criteria: Ambry Variant Classification Scheme 2023. Collection method: clinical testing. Allele origin: germline.
Comment: The p.T906S variant (also known as c.2717C>G), located in coding exon 4 of the MSH6 gene, results from a C to G substitution at nucleotide position 2717. The threonine at codon 906 is replaced by serine, an amino acid with similar properties. This amino acid position is not well conserved in available vertebrate species. In addition, this alteration is predicted to be tolerated by in silico analysis. Based on the available evidence, the clinical significance of this variant remains unclear.

Color Diagnostics, LLC DBA Color Health
Classification: Uncertain significance for Hereditary cancer-predisposing syndrome. Last evaluated: 2024-03-06. Review status: criteria provided, single submitter. Criteria: ACMG Guidelines, 2015. Collection method: clinical testing. Allele origin: germline.
Comment: This missense variant replaces threonine with serine at codon 906 of the MSH6 protein. Computational prediction suggests that this variant may not impact protein structure and function (internally defined REVEL score threshold <= 0.5, PMID: 27666373). To our knowledge, functional studies have not been reported for this variant. This variant has not been reported in individuals affected with MSH6-related disorders in the literature. This variant has been identified in 3/31406 chromosomes in the general population by the Genome Aggregation Database (gnomAD). The available evidence is insufficient to determine the role of this variant in disease conclusively. Therefore, this variant is classified as a Variant of Uncertain Significance.

Baylor Genetics
Classification: Uncertain significance for Endometrial carcinoma. Last evaluated: 2024-01-17. Review status: criteria provided, single submitter. Criteria: ACMG Guidelines, 2015. Collection method: clinical testing. Allele origin: unknown.

Labcorp Genetics (formerly Invitae), Labcorp
Classification: Likely benign for Hereditary nonpolyposis colorectal neoplasms. Last evaluated: 2023-06-24. Review status: criteria provided, single submitter. Criteria: Invitae Variant Classification Sherloc (09022015). Collection method: clinical testing. Allele origin: germline.

All of Us Research Program, National Institutes of Health
Classification: Uncertain significance for Lynch syndrome. Last evaluated: 2023-03-07. Review status: criteria provided, single submitter. Criteria: ACMG Guidelines, 2015. Collection method: clinical testing. Allele origin: germline. Inheritance: Autosomal dominant inheritance. Observed: 1 variant allele, 1 heterozygote.
Comment: This missense variant replaces threonine with serine at codon 906 of the MSH6 protein. Computational prediction suggests that this variant may not impact protein structure and function (internally defined REVEL score threshold <= 0.5, PMID: 27666373). To our knowledge, functional studies have not been reported for this variant. This variant has not been reported in individuals affected with MSH6-related disorders in the literature. This variant has been identified in 3/31406 chromosomes in the general population by the Genome Aggregation Database (gnomAD). The available evidence is insufficient to determine the role of this variant in disease conclusively. Therefore, this variant is classified as a Variant of Uncertain Significance.

This study involves interpretation of variants in research participants for the purpose of population health screening. Participant phenotype was not available at the time of variant classification. Additional details can be found in publication PMID: 35346344, PMCID: PMC8962531